The following is an entry in ClinVar:

ClinVar aggregate classification (germline): Uncertain significance (1 of 4 stars; one submission).

Submission:

Labcorp Genetics (formerly Invitae), Labcorp
Classification: Uncertain significance. Last evaluated: 2025-06-13. Review status: criteria provided, single submitter. Criteria: Invitae Variant Classification Sherloc (09022015). Collection method: clinical testing. Allele origin: germline.
Comment: This sequence change replaces lysine, which is basic and polar, with arginine, which is basic and polar, at codon 201 of the UCP2 protein (p.Lys201Arg). This variant is not present in population databases (gnomAD no frequency). This variant has not been reported in the literature in individuals affected with UCP2-related conditions. An algorithm developed to predict the effect of missense changes on protein structure and function (PolyPhen-2) suggests that this variant is likely to be disruptive. In summary, the available evidence is currently insufficient to determine the role of this variant in disease. Therefore, it has been classified as a Variant of Uncertain Significance.

NM_003355.3(UCP2):c.602A>G (p.Lys201Arg)

Gene: UCP2 (uncoupling protein 2; minus strand). Cytogenetic location: 11q13.4.
Variant type: single nucleotide variant.
Coding change: c.602A>G on transcript NM_003355.3 (MANE Select); coding-DNA position 602, A replaced by G.
Protein change: p.Lys201Arg; replaces lysine 201 with arginine.
Molecular consequence: missense variant. On other transcripts: intron variant (1).
Genome position (GRCh38, 1-based): chr11:73,976,673, T>C on the plus strand (A>G on the coding strand, the complement: UCP2 is on the minus strand). VCF-style: chr11-73976673-T-C. GRCh37 (hg19) VCF-style: chr11-73687718-T-C.
Other names: c.602A>G, p.Lys201Arg (NM_001381943.1, NM_001381944.1, NM_001381945.1 and 2 more transcripts); c.407A>G, p.Lys136Arg (NM_001381950.1); c.532+150A>G (NM_001381949.1); short protein forms K136R, K201R.
Identifiers: ClinVar variation 4767931 (VCV004767931.1).